The following is an entry in ClinVar:

NM_015915.5(ATL1):c.780T>C (p.Cys260=)

Gene: ATL1 (atlastin GTPase 1; plus strand). Cytogenetic location: 14q22.1.
Variant type: single nucleotide variant.
Coding change: c.780T>C on transcript NM_015915.5 (MANE Select); coding-DNA position 780, T replaced by C.
Protein change: p.Cys260=; no amino-acid change (cysteine 260 retained).
Molecular consequence: synonymous variant.
Genome position (GRCh38, 1-based): chr14:50,614,429, T>C. VCF-style: chr14-50614429-T-C. GRCh37 (hg19) VCF-style: chr14-51081147-T-C.
Other names: c.780T>C, p.Cys260= (NM_001127713.1, NM_181598.4).
Identifiers: ClinVar variation 512998 (VCV000512998.3), dbSNP rs1555365177, ClinGen allele CA486191398.
Genomic context (GRCh38, chr14:50,614,429, plus strand): 5'-GCAGGTCTCAGGGAACCAGCATGAAGAACTACAGAACGTCAGAAAACACATCCATTCCTG[T>C]TTCACCAACATTTCCTGTTTTCTGCTACCTCATCCTGGCTTAAAAGTAGCTACCAATCCA-3'
Protein context (NP_056999.2, residues 250-270): LQNVRKHIHS[Cys260=]FTNISCFLLP

ClinVar aggregate classification (germline): Likely benign. Review status: criteria provided, multiple submitters, no conflicts (2 of 4 stars). 2 submissions from 2 submitters: Likely benign (2). Last evaluated 2019-07-11.

Conditions:
Inborn genetic diseases. Identifiers: MedGen C0950123, MeSH D030342.

Submissions (2):

Ambry Genetics
Classification: Likely benign for Inborn genetic diseases. Last evaluated: 2019-07-11. Review status: criteria provided, single submitter. Criteria: Ambry Variant Classification Scheme 2023. Collection method: clinical testing. Allele origin: germline.

GeneDx
Classification: Likely benign. Last evaluated: 2017-10-31. Review status: criteria provided, single submitter. Criteria: GeneDx Variant Classification (06012015). Collection method: clinical testing. Allele origin: germline. Affected: yes.
Comment: This variant is considered likely benign or benign based on one or more of the following criteria: it is a conservative change, it occurs at a poorly conserved position in the protein, it is predicted to be benign by multiple in silico algorithms, and/or has population frequency not consistent with disease.